The following is an entry in ClinVar:

ClinVar aggregate classification (germline): Benign (1 of 4 stars; one submission).

Conditions:
Glycogen storage disease, type II (IOPD). Also called: Pompe Disease; CARDIOMEGALIA GLYCOGENICA DIFFUSA; GLYCOGENOSIS, GENERALIZED, CARDIAC FORM; GSD II; POMPE DISEASE, INFANTILE-ONSET; GLYCOGEN STORAGE DISEASE II, INFANTILE-ONSET. Identifiers: Orphanet 365, MedGen C0017921, MONDO:0009290, OMIM 232300.

gnomAD v4.1: 30,363 of 152,192 alleles (20%); highest among the groups gnomAD compares: Middle Eastern, 27%; 3,714 homozygotes.

Submission:

Genomenon, Inc
Classification: Benign for Glycogen storage disease, type II. Last evaluated: 2026-07-01. Review status: criteria provided, single submitter. Criteria: Genomenon Sequence Variant Interpretation Standards - Updated. Collection method: curation. Allele origin: germline. Affected: no.
Comment: GAA c.2190-686G>A is an intronic variant located in intron 15. This variant is present at high allele frequency in population databases. We classify GAA c.2190-686G>A as a benign variant.

NM_000152.5(GAA):c.2190-686G>A

Gene: GAA (alpha glucosidase; plus strand). Cytogenetic location: 17q25.3.
Variant type: single nucleotide variant.
Coding change: c.2190-686G>A on transcript NM_000152.5 (MANE Select); 686 bases into the intron before coding-DNA position 2190, G replaced by A.
Molecular consequence: intron variant.
Genome position (GRCh38, 1-based): chr17:80,116,282, G>A. VCF-style: chr17-80116282-G-A. GRCh37 (hg19) VCF-style: chr17-78090081-G-A.
Other names: c.2190-686G>A (NM_001406741.1, NM_001406742.1, NM_001079803.3 and 1 more transcripts).
Identifiers: ClinVar variation 4876380 (VCV004876380.1).